The following is an entry in ClinVar:

ClinVar aggregate classification (germline): Benign (1 of 4 stars; one submission).

gnomAD v4.1: 1,115 of 1,529,208 alleles (0.073%); highest among the groups gnomAD compares: South Asian, 1.2%; 24 homozygotes.

Submission:

CeGaT Center for Human Genetics Tuebingen
Classification: Benign. Last evaluated: 2025-04-01. Review status: criteria provided, single submitter. Criteria: CeGaT Center For Human Genetics Tuebingen Variant Classification Criteria Version 2. Collection method: clinical testing. Allele origin: germline. Affected: yes. Observed: 1 variant allele.
Comment: MUC5B: BS1, BS2

NM_002458.3(MUC5B):c.1103-27G>A

Gene: MUC5B (mucin 5B, oligomeric mucus/gel-forming; plus strand). Cytogenetic location: 11p15.5.
Variant type: single nucleotide variant.
Coding change: c.1103-27G>A on transcript NM_002458.3 (MANE Select); 27 bases into the intron before coding-DNA position 1103, G replaced by A.
Molecular consequence: intron variant.
Genome position (GRCh38, 1-based): chr11:1,229,663, G>A. VCF-style: chr11-1229663-G-A. GRCh37 (hg19) VCF-style: chr11-1250893-G-A.
Identifiers: ClinVar variation 3778093 (VCV003778093.7).